The following is an entry in ClinVar:

NM_024652.6(LRRK1):c.77G>A (p.Arg26His)

Gene: LRRK1 (leucine rich repeat kinase 1; plus strand). Cytogenetic location: 15q26.3.
Variant type: single nucleotide variant.
Coding change: c.77G>A on transcript NM_024652.6 (MANE Select); coding-DNA position 77, G replaced by A.
Protein change: p.Arg26His; replaces arginine 26 with histidine.
Molecular consequence: missense variant.
Genome position (GRCh38, 1-based): chr15:100,924,709, G>A. VCF-style: chr15-100924709-G-A. GRCh37 (hg19) VCF-style: chr15-101464914-G-A.
Other names: c.77G>A (NM_024652.3); short protein forms R26H.
Identifiers: ClinVar variation 1956737 (VCV001956737.6), dbSNP rs756110175, ClinGen allele CA7760480.
Genomic context (GRCh38, chr15:100,924,709, plus strand): 5'-AAAGACCCCCCAGCATGTACTGGTGTGTGGGGCCGGAGGAGTCAGCTGTGTGTCCAGAAC[G>A]TGCCATGGAGACGCTTAACGGTAAGGACAGGGCTGTGCTTATGCCTGCCTGGGTGTGACC-3'
Protein context (NP_078928.3, residues 16-36): GPEESAVCPE[Arg26His]AMETLNGAGD

ClinVar aggregate classification (germline): Uncertain significance. Review status: criteria provided, multiple submitters, no conflicts (2 of 4 stars). 2 submissions from 2 submitters: Uncertain significance (2). Last evaluated 2025-06-06.

Conditions:
Inborn genetic diseases. Identifiers: MedGen C0950123, MeSH D030342.

Allele frequency attached by ClinVar (database versions not stated): TOPMed below 0.00001; gnomAD 0.00001; ExAC 0.00002.
gnomAD v4.1: 23 of 1,614,020 alleles (0.0014%); highest among the groups gnomAD compares: South Asian, 0.0044%; no homozygotes.

Submissions (2):

Ambry Genetics
Classification: Uncertain significance for Inborn genetic diseases. Last evaluated: 2025-06-06. Review status: criteria provided, single submitter. Criteria: Ambry Variant Classification Scheme 2023. Collection method: clinical testing. Allele origin: germline.

Labcorp Genetics (formerly Invitae), Labcorp
Classification: Uncertain significance. Last evaluated: 2022-03-17. Review status: criteria provided, single submitter. Criteria: Invitae Variant Classification Sherloc (09022015). Collection method: clinical testing. Allele origin: germline.
Comment: In summary, the available evidence is currently insufficient to determine the role of this variant in disease. Therefore, it has been classified as a Variant of Uncertain Significance. Algorithms developed to predict the effect of missense changes on protein structure and function output the following: SIFT: "Tolerated"; PolyPhen-2: "Benign"; Align-GVGD: "Class C0". The histidine amino acid residue is found in multiple mammalian species, which suggests that this missense change does not adversely affect protein function. This variant has not been reported in the literature in individuals affected with LRRK1-related conditions. This variant is present in population databases (rs756110175, gnomAD 0.006%). This sequence change replaces arginine, which is basic and polar, with histidine, which is basic and polar, at codon 26 of the LRRK1 protein (p.Arg26His).